The following is an entry in ClinVar:

NM_005612.5(REST):c.1298G>A (p.Arg433Gln)

Gene: REST (RE1 silencing transcription factor; plus strand). Cytogenetic location: 4q12.
Variant type: single nucleotide variant.
Coding change: c.1298G>A on transcript NM_005612.5 (MANE Select); coding-DNA position 1298, G replaced by A.
Protein change: p.Arg433Gln; replaces arginine 433 with glutamine.
Molecular consequence: missense variant.
Genome position (GRCh38, 1-based): chr4:56,930,156, G>A. VCF-style: chr4-56930156-G-A. GRCh37 (hg19) VCF-style: chr4-57796322-G-A.
Other names: c.1298G>A, p.Arg433Gln (NM_001193508.2, NM_001363453.3); c.1298G>A (NM_005612.4); short protein forms R433Q.
Identifiers: ClinVar variation 3590642 (VCV003590642.3).

ClinVar aggregate classification (germline): Uncertain significance. Review status: criteria provided, multiple submitters, no conflicts (2 of 4 stars). 3 submissions from 3 submitters: Uncertain significance (3). Last evaluated 2026-01-28.

Conditions:
Autosomal dominant nonsyndromic hearing loss 27. Also called: Deafness, autosomal dominant 27. Identifiers: Orphanet 90635, MedGen C3887929, MONDO:0012902, OMIM 612431.
Wilms tumor 6 (WT6). Also called: WILMS TUMOR 6, SUSCEPTIBILITY TO. Identifiers: Orphanet 654, MedGen C3891301, MONDO:0014779, OMIM 616806.
Fibromatosis, gingival, 5. Also called: FIBROMATOSIS, GINGIVAL, HEREDITARY, 5. Identifiers: MedGen C4539942, MONDO:0033493, OMIM 617626.

gnomAD v4.1: 17 of 1,613,206 alleles (0.0011%); highest among the groups gnomAD compares: Middle Eastern, 0.033%; no homozygotes.

Submissions (3):

Labcorp Genetics (formerly Invitae), Labcorp
Classification: Uncertain significance. Last evaluated: 2026-01-28. Review status: criteria provided, single submitter. Criteria: Invitae Variant Classification Sherloc (09022015). Collection method: clinical testing. Allele origin: germline.
Comment: This sequence change replaces arginine, which is basic and polar, with glutamine, which is neutral and polar, at codon 433 of the REST protein (p.Arg433Gln). This variant is present in population databases (rs774473417, gnomAD 0.006%). This variant has not been reported in the literature in individuals affected with REST-related conditions. ClinVar contains an entry for this variant (Variation ID: 3590642). An algorithm developed to predict the effect of missense changes on protein structure and function (PolyPhen-2) suggests that this variant is likely to be tolerated. In summary, the available evidence is currently insufficient to determine the role of this variant in disease. Therefore, it has been classified as a Variant of Uncertain Significance.

GeneDx
Classification: Uncertain significance. Last evaluated: 2025-05-20. Review status: criteria provided, single submitter. Criteria: GeneDx Variant Classification Process June 2021. Collection method: clinical testing. Allele origin: germline. Affected: yes.
Comment: In silico analysis suggests that this missense variant does not alter protein structure/function; Has not been previously published as pathogenic or benign to our knowledge

Fulgent Genetics
Classification: Uncertain significance for Autosomal dominant nonsyndromic hearing loss 27; Wilms tumor 6; Fibromatosis, gingival, 5. Last evaluated: 2024-03-19. Review status: criteria provided, single submitter. Criteria: ACMG Guidelines, 2015. Collection method: clinical testing. Allele origin: germline.